The following is an entry in ClinVar:

NM_015999.6(ADIPOR1):c.959G>A (p.Arg320Gln)

Gene: ADIPOR1 (adiponectin receptor 1; minus strand). Cytogenetic location: 1q32.1.
Variant type: single nucleotide variant.
Coding change: c.959G>A on transcript NM_015999.6 (MANE Select); coding-DNA position 959, G replaced by A.
Protein change: p.Arg320Gln; replaces arginine 320 with glutamine.
Molecular consequence: missense variant.
Genome position (GRCh38, 1-based): chr1:202,942,065, C>T on the plus strand (G>A on the coding strand, the complement: ADIPOR1 is on the minus strand). VCF-style: chr1-202942065-C-T. GRCh37 (hg19) VCF-style: chr1-202911193-C-T.
Other names: c.959G>A, p.Arg320Gln (NM_001127687.1, NM_001290553.2, NM_001290557.1 and 1 more transcripts); short protein forms R320Q.
Identifiers: ClinVar variation 1944869 (VCV001944869.5), dbSNP rs1654111682, ClinGen allele CA344277974.

ClinVar aggregate classification (germline): Uncertain significance (1 of 4 stars; one submission).

Allele frequency attached by ClinVar (database versions not stated): gnomAD exomes below 0.00001; TOPMed below 0.00001.

Submission:

Labcorp Genetics (formerly Invitae), Labcorp
Classification: Uncertain significance. Last evaluated: 2023-07-03. Review status: criteria provided, single submitter. Criteria: Invitae Variant Classification Sherloc (09022015). Collection method: clinical testing. Allele origin: germline.
Comment: In summary, the available evidence is currently insufficient to determine the role of this variant in disease. Therefore, it has been classified as a Variant of Uncertain Significance. An algorithm developed to predict the effect of missense changes on protein structure and function (PolyPhen-2) suggests that this variant is likely to be disruptive. ClinVar contains an entry for this variant (Variation ID: 1944869). This variant has not been reported in the literature in individuals affected with ADIPOR1-related conditions. This variant is not present in population databases (gnomAD no frequency). This sequence change replaces arginine, which is basic and polar, with glutamine, which is neutral and polar, at codon 320 of the ADIPOR1 protein (p.Arg320Gln).